The following is an entry in ClinVar:

ClinVar aggregate classification (germline): Uncertain significance (1 of 4 stars; one submission).

Conditions:
Charcot-Marie-Tooth disease type 4. Also called: Charcot-Marie-Tooth disease, type IV; Charcot-Marie-Tooth, Type 4. Identifiers: Orphanet 64749, MedGen C4082197, MONDO:0018995.

gnomAD v4.1: 4 of 1,608,982 alleles (0.00025%); highest among the groups gnomAD compares: Non-Finnish European, 0.00034%; no homozygotes.

Submission:

Labcorp Genetics (formerly Invitae), Labcorp
Classification: Uncertain significance for Charcot-Marie-Tooth disease type 4. Last evaluated: 2024-08-04. Review status: criteria provided, single submitter. Criteria: Invitae Variant Classification Sherloc (09022015). Collection method: clinical testing. Allele origin: germline.
Comment: This sequence change replaces serine, which is neutral and polar, with phenylalanine, which is neutral and non-polar, at codon 175 of the SBF2 protein (p.Ser175Phe). This variant is not present in population databases (gnomAD no frequency). This variant has not been reported in the literature in individuals affected with SBF2-related conditions. Advanced modeling of protein sequence and biophysical properties (such as structural, functional, and spatial information, amino acid conservation, physicochemical variation, residue mobility, and thermodynamic stability) performed at Invitae indicates that this missense variant is expected to disrupt SBF2 protein function with a positive predictive value of 80%. In summary, the available evidence is currently insufficient to determine the role of this variant in disease. Therefore, it has been classified as a Variant of Uncertain Significance.

NM_030962.4(SBF2):c.524C>T (p.Ser175Phe)

Gene: SBF2 (SET binding factor 2; minus strand). Cytogenetic location: 11p15.4.
Variant type: single nucleotide variant.
Coding change: c.524C>T on transcript NM_030962.4 (MANE Select); coding-DNA position 524, C replaced by T.
Protein change: p.Ser175Phe; replaces serine 175 with phenylalanine.
Molecular consequence: missense variant.
Genome position (GRCh38, 1-based): chr11:10,028,547, G>A on the plus strand (C>T on the coding strand, the complement: SBF2 is on the minus strand). VCF-style: chr11-10028547-G-A. GRCh37 (hg19) VCF-style: chr11-10050094-G-A.
Other names: c.524C>T, p.Ser175Phe (NM_001386342.1, NM_001386339.1); c.560C>T, p.Ser187Phe (NM_001424318.1, NM_001425069.1, NM_001425070.1); short protein forms S187F, S175F.
Identifiers: ClinVar variation 3703158 (VCV003703158.2).
Genomic context (GRCh38, chr11:10,028,547, plus strand): 5'-GTGATAGGAAGACTATCATGTAAAGGAGTCTGGATCAACTGTCTATCTCCTGCACCCAAA[G>A]AAAACAGCTTCTGCAGAATGGGAGAAACACAAACACACACACACACGATTTCAGCCATTT-3'
Protein context (NP_112224.1, residues 165-185): PAAGGSQKLF[Ser175Phe]LGAGDRQLIQ